The following is an entry in ClinVar:

NM_000321.3(RB1):c.540-4A>G

Gene: RB1 (RB transcriptional corepressor 1; plus strand). Cytogenetic location: 13q14.2.
Variant type: single nucleotide variant.
Coding change: c.540-4A>G on transcript NM_000321.3 (MANE Select); 4 bases into the intron before coding-DNA position 540, A replaced by G.
Molecular consequence: intron variant.
Genome position (GRCh38, 1-based): chr13:48,348,952, A>G. VCF-style: chr13-48348952-A-G. GRCh37 (hg19) VCF-style: chr13-48923088-A-G.
Identifiers: ClinVar variation 1057310 (VCV001057310.9), dbSNP rs2138093406, ClinGen allele CA2499222432.

ClinVar aggregate classification (germline): Uncertain significance (1 of 4 stars; one submission).

Conditions:
Retinoblastoma (RB1). Also called: RETINOBLASTOMA, SOMATIC. Identifiers: Orphanet 790, MedGen C0035335, MeSH D012175, MONDO:0008380, OMIM 180200, HP:0009919. Disease mechanism: loss of function. Inheritance: Both sporadic and heritable forms are tested..

Submission:

Labcorp Genetics (formerly Invitae), Labcorp
Classification: Uncertain significance for Retinoblastoma. Last evaluated: 2022-03-07. Review status: criteria provided, single submitter. Criteria: Invitae Variant Classification Sherloc (09022015). Collection method: clinical testing. Allele origin: germline.
Comment: This sequence change falls in intron 5 of the RB1 gene. It does not directly change the encoded amino acid sequence of the RB1 protein. This variant is not present in population databases (gnomAD no frequency). In summary, the available evidence is currently insufficient to determine the role of this variant in disease. Therefore, it has been classified as a Variant of Uncertain Significance. Algorithms developed to predict the effect of sequence changes on RNA splicing suggest that this variant may create or strengthen a splice site. ClinVar contains an entry for this variant (Variation ID: 1057310). This variant has not been reported in the literature in individuals affected with RB1-related conditions.